The following is an entry in ClinVar:

NM_007294.4(BRCA1):c.1323A>G (p.Ile441Met)

Gene: BRCA1 (BRCA1 DNA repair associated; minus strand). Cytogenetic location: 17q21.31.
Variant type: single nucleotide variant.
Coding change: c.1323A>G on transcript NM_007294.4 (MANE Select); coding-DNA position 1323, A replaced by G.
Protein change: p.Ile441Met; replaces isoleucine 441 with methionine.
Molecular consequence: missense variant. On other transcripts: intron variant (137).
Genome position (GRCh38, 1-based): chr17:43,094,208, T>C on the plus strand (A>G on the coding strand, the complement: BRCA1 is on the minus strand). VCF-style: chr17-43094208-T-C. GRCh37 (hg19) VCF-style: chr17-41246225-T-C.
Other names: c.1110A>G, p.Ile370Met (NM_001407571.1, NM_001407853.1, NM_001407894.1 and 9 more transcripts); c.1323A>G, p.Ile441Met (NM_001407581.1, NM_001407582.1, NM_001407583.1 and 30 more transcripts); c.1320A>G, p.Ile440Met (NM_001407587.1, NM_001407590.1, NM_001407591.1 and 22 more transcripts); c.1314A>G, p.Ile438Met (NM_001407646.1, NM_001407647.1); c.1200A>G, p.Ile400Met (NM_001407648.1, NM_001407664.1, NM_001407665.1 and 19 more transcripts); c.1197A>G, p.Ile399Met (NM_001407649.1, NM_001407670.1, NM_001407671.1 and 11 more transcripts); c.1245A>G, p.Ile415Met (NM_001407653.1, NM_001407654.1, NM_001407655.1 and 4 more transcripts); c.1242A>G, p.Ile414Met (NM_001407659.1, NM_001407660.1, NM_001407661.1 and 1 more transcripts); and 40 more; short protein forms I441M, I394M, I313M, I330M, I370M, I371M, I393M, I400M.
Identifiers: ClinVar variation 491030 (VCV000491030.21), dbSNP rs1555591935, ClinGen allele CA10599406.
Genomic context (GRCh38, chr17:43,094,208, plus strand): 5'-AAATATTTTGTCTTCAATATTACTCTCTACTGATTTGGAGTGAACTCTTTCACTTTTACA[T>C]ATTAAAGCCTCATGAGGATCACTGGCCAGTAAGTCTATTTTCTCTGAAGAACCAGAATAT-3'
Protein context (NP_009225.1, residues 431-451): LLASDPHEAL[Ile441Met]CKSERVHSKS

ClinVar aggregate classification (germline): Conflicting classifications of pathogenicity. Review status: criteria provided, conflicting classifications (1 of 4 stars). 5 submissions from 5 submitters: Uncertain significance (4); Likely benign (1). Last evaluated 2025-12-05.

Conditions:
Hereditary breast ovarian cancer syndrome. Also called: Breast and ovarian cancer; Hereditary breast and/or ovarian cancer syndrome; Hereditary breast and ovarian cancer; Hereditary breast and ovarian cancer syndrome (HBOC); BRCA1- and BRCA2-Associated Hereditary Breast and Ovarian Cancer; Hereditary breast and ovarian cancer syndrome. Identifiers: Orphanet 145, MedGen C0677776, MeSH D061325, MONDO:0003582. Disease mechanism: loss of function.
Hereditary cancer-predisposing syndrome. Also called: Hereditary Cancer Syndrome; Neoplastic Syndromes, Hereditary; Tumor predisposition; Hereditary neoplastic syndrome. Identifiers: Orphanet 140162, MedGen C0027672, MeSH D009386, MONDO:0015356.

Submissions (5):

Ambry Genetics
Classification: Uncertain significance for Hereditary cancer-predisposing syndrome. Last evaluated: 2025-12-05. Review status: criteria provided, single submitter. Criteria: Ambry Variant Classification Scheme 2023. Collection method: clinical testing. Allele origin: germline.
Comment: The p.I441M variant (also known as c.1323A>G), located in coding exon 9 of the BRCA1 gene, results from an A to G substitution at nucleotide position 1323. The isoleucine at codon 441 is replaced by methionine, an amino acid with highly similar properties. This amino acid position is not well conserved in available vertebrate species. In addition, the in silico prediction for this alteration is inconclusive. Based on the available evidence, the clinical significance of this variant remains unclear.

Labcorp Genetics (formerly Invitae), Labcorp
Classification: Uncertain significance for Hereditary breast ovarian cancer syndrome. Last evaluated: 2024-07-08. Review status: criteria provided, single submitter. Criteria: Invitae Variant Classification Sherloc (09022015). Collection method: clinical testing. Allele origin: germline.
Comment: This sequence change replaces isoleucine, which is neutral and non-polar, with methionine, which is neutral and non-polar, at codon 441 of the BRCA1 protein (p.Ile441Met). This variant is not present in population databases (gnomAD no frequency). This variant has not been reported in the literature in individuals affected with BRCA1-related conditions. ClinVar contains an entry for this variant (Variation ID: 491030). Advanced modeling of protein sequence and biophysical properties (such as structural, functional, and spatial information, amino acid conservation, physicochemical variation, residue mobility, and thermodynamic stability) performed at Invitae indicates that this missense variant is not expected to disrupt BRCA1 protein function with a negative predictive value of 95%. In summary, the available evidence is currently insufficient to determine the role of this variant in disease. Therefore, it has been classified as a Variant of Uncertain Significance.

Institute for Biomarker Research, Medical Diagnostic Laboratories, L.L.C.
Classification: Uncertain significance for Hereditary breast ovarian cancer syndrome. Last evaluated: 2023-05-16. Review status: criteria provided, single submitter. Criteria: ACMG Guidelines, 2015. Collection method: clinical testing. Allele origin: germline.

University of Washington Department of Laboratory Medicine, University of Washington
Classification: Likely benign for Hereditary cancer-predisposing syndrome. Last evaluated: 2023-03-23. Review status: criteria provided, single submitter. Criteria: Dines et al. (Genet Med. 2020). Collection method: curation. Allele origin: germline.
Comment: Missense variant in a coldspot region where missense variants are very unlikely to be pathogenic (PMID:31911673).

BRCA1 coldspot (exon 11 using historical exon numbering). Reclassification based on statistical prior probability

Color Diagnostics, LLC DBA Color Health
Classification: Uncertain significance for Hereditary cancer-predisposing syndrome. Last evaluated: 2020-12-08. Review status: criteria provided, single submitter. Criteria: ACMG Guidelines, 2015. Collection method: clinical testing. Allele origin: germline.
Comment: This missense variant replaces isoleucine with methionine at codon 441 of the BRCA1 protein. Computational prediction is inconclusive regarding the impact of this variant on protein structure and function (internally defined REVEL score threshold 0.5 < inconclusive < 0.7, PMID: 27666373). To our knowledge, functional studies have not been reported for this variant. This variant has not been reported in individuals affected with hereditary cancer in the literature. This variant has not been identified in the general population by the Genome Aggregation Database (gnomAD). The available evidence is insufficient to determine the role of this variant in disease conclusively. Therefore, this variant is classified as a Variant of Uncertain Significance.